The following is an entry in ClinVar:

ClinVar aggregate classification (germline): Uncertain significance (1 of 4 stars; one submission).

Conditions:
Congenital contractural arachnodactyly (CCA). Also called: BEALS SYNDROME; Arthrogryposis, distal, type 9; Beals-Hecht syndrome. Identifiers: Orphanet 115, MedGen C0220668, MONDO:0007363, OMIM 121050.

Submission:

Labcorp Genetics (formerly Invitae), Labcorp
Classification: Uncertain significance for Congenital contractural arachnodactyly. Last evaluated: 2025-04-08. Review status: criteria provided, single submitter. Criteria: Invitae Variant Classification Sherloc (09022015). Collection method: clinical testing. Allele origin: germline.
Comment: This sequence change replaces cysteine, which is neutral and slightly polar, with phenylalanine, which is neutral and non-polar, at codon 2558 of the FBN2 protein (p.Cys2558Phe). This variant is not present in population databases (gnomAD no frequency). This variant has not been reported in the literature in individuals affected with FBN2-related conditions. Invitae Evidence Modeling of protein sequence and biophysical properties (such as structural, functional, and spatial information, amino acid conservation, physicochemical variation, residue mobility, and thermodynamic stability) indicates that this missense variant is expected to disrupt FBN2 protein function with a positive predictive value of 80%. In summary, the available evidence is currently insufficient to determine the role of this variant in disease. Therefore, it has been classified as a Variant of Uncertain Significance.

NM_001999.4(FBN2):c.7673G>T (p.Cys2558Phe)

Gene: FBN2 (fibrillin 2; minus strand). Cytogenetic location: 5q23.3.
Variant type: single nucleotide variant.
Coding change: c.7673G>T on transcript NM_001999.4 (MANE Select); coding-DNA position 7673, G replaced by T.
Protein change: p.Cys2558Phe; replaces cysteine 2558 with phenylalanine.
Molecular consequence: missense variant.
Genome position (GRCh38, 1-based): chr5:128,274,605, C>A on the plus strand (G>T on the coding strand, the complement: FBN2 is on the minus strand). VCF-style: chr5-128274605-C-A. GRCh37 (hg19) VCF-style: chr5-127610297-C-A.
Other names: short protein forms C2558F.
Identifiers: ClinVar variation 4743906 (VCV004743906.1).